The following is an entry in ClinVar:

NM_000535.7(PMS2):c.736_741delinsTGTGTGTGAA (p.Pro246_Pro247delinsCysValTer)

Gene: PMS2 (PMS1 homolog 2, mismatch repair system component; minus strand). Cytogenetic location: 7p22.1.
Variant type: Indel.
Coding change: c.736_741delinsTGTGTGTGAA on transcript NM_000535.7 (MANE Select); coding-DNA positions 736 to 741, CCCCCT replaced by TGTGTGTGAA.
Protein change: p.Pro246_Pro247delinsCysValTer.
Molecular consequence: nonsense. On other transcripts: non-coding transcript variant (1), intron variant (3), 5 prime UTR variant (2).
Genome position (GRCh38, 1-based): chr7:5,997,388-5,997,393, AGGGGG replaced by TTCACACACA on the plus strand (CCCCCT replaced by TGTGTGTGAA on the coding strand, the reverse complement: PMS2 is on the minus strand). VCF-style: chr7-5997388-AGGGGG-TTCACACACA. GRCh37 (hg19) VCF-style: chr7-6037019-AGGGGG-TTCACACACA.
Other names: c.223_228delinsTGTGTGTGAA, p.Pro75_Pro76delinsCysValTer (NM_001406904.1, NM_001406905.1); c.331_336delinsTGTGTGTGAA, p.Pro111_Pro112delinsCysValTer (NM_001406906.1, NM_001406907.1, NM_001406908.1 and 19 more transcripts); c.163_168delinsTGTGTGTGAA, p.Pro55_Pro56delinsCysValTer (NM_001406909.1, NM_001322013.2); c.736_741delinsTGTGTGTGAA, p.Pro246_Pro247delinsCysValTer (NM_001406912.1, NM_001322006.2, NM_001322014.2 and 3 more transcripts); c.132+5060_132+5065delinsTGTGTGTGAA (NM_001406911.1); c.537+5060_537+5065delinsTGTGTGTGAA (NM_001406886.1); c.705+1715_705+1720delinsTGTGTGTGAA (NM_001406873.1); c.427_432delinsTGTGTGTGAA, p.Pro143_Pro144delinsCysValTer (NM_001406900.1, NM_001322015.2, NM_001406875.1 and 6 more transcripts); and 7 more.
Identifiers: ClinVar variation 4775510 (VCV004775510.1).

ClinVar aggregate classification (germline): Pathogenic (1 of 4 stars; one submission).

Conditions:
Hereditary nonpolyposis colorectal neoplasms. Identifiers: MedGen C0009405, MeSH D003123.

Submission:

Labcorp Genetics (formerly Invitae), Labcorp
Classification: Pathogenic for Hereditary nonpolyposis colorectal neoplasms. Last evaluated: 2023-07-17. Review status: criteria provided, single submitter. Criteria: Invitae Variant Classification Sherloc (09022015). Collection method: clinical testing. Allele origin: germline.
Comment: For these reasons, this variant has been classified as Pathogenic. ClinVar contains an entry for this variant (Variation ID: 1328224). This variant is also known as c.736_741del6ins11. This premature translational stop signal has been observed in individual(s) with Lynch syndrome-associated tumors (PMID: 16619239, 18178629, 21376568, 24323032). In at least one individual the data is consistent with being in trans (on the opposite chromosome) from a pathogenic variant. It is commonly reported in individuals of British and Swedish ancestry (PMID: 18178629). This variant is present in population databases (rs756653193, gnomAD 0.004%). This sequence change creates a premature translational stop signal (p.Pro246Cysfs*3) in the PMS2 gene. It is expected to result in an absent or disrupted protein product. Loss-of-function variants in PMS2 are known to be pathogenic (PMID: 21376568, 24362816).

Literature cited by the submitters: PubMed 16619239; PubMed 18178629; PubMed 21376568; PubMed 24323032; PubMed 24362816.